The following is an entry in ClinVar:

ClinVar aggregate classification (germline): Uncertain significance (1 of 4 stars; one submission).

Allele frequency attached by ClinVar (database versions not stated): TOPMed below 0.00001; gnomAD 0.00001.
gnomAD v4.1: 4 of 1,614,042 alleles (0.00025%); highest among the groups gnomAD compares: East Asian, 0.0089%; no homozygotes.

Submission:

Labcorp Genetics (formerly Invitae), Labcorp
Classification: Uncertain significance. Last evaluated: 2021-12-29. Review status: criteria provided, single submitter. Criteria: Invitae Variant Classification Sherloc (09022015). Collection method: clinical testing. Allele origin: germline.
Comment: This sequence change replaces glutamic acid, which is acidic and polar, with alanine, which is neutral and non-polar, at codon 143 of the MCM3AP protein (p.Glu143Ala). This variant is not present in population databases (gnomAD no frequency). This variant has not been reported in the literature in individuals affected with MCM3AP-related conditions. Algorithms developed to predict the effect of missense changes on protein structure and function are either unavailable or do not agree on the potential impact of this missense change (SIFT: "Tolerated"; PolyPhen-2: "Possibly Damaging"; Align-GVGD: "Class C0"). In summary, the available evidence is currently insufficient to determine the role of this variant in disease. Therefore, it has been classified as a Variant of Uncertain Significance.

NM_003906.5(MCM3AP):c.428A>C (p.Glu143Ala)

Gene: MCM3AP (minichromosome maintenance complex component 3 associated protein; minus strand). Cytogenetic location: 21q22.3.
Variant type: single nucleotide variant.
Coding change: c.428A>C on transcript NM_003906.5 (MANE Select); coding-DNA position 428, A replaced by C.
Protein change: p.Glu143Ala; replaces glutamic acid 143 with alanine.
Molecular consequence: missense variant.
Genome position (GRCh38, 1-based): chr21:46,284,859, T>G on the plus strand (A>C on the coding strand, the complement: MCM3AP is on the minus strand). VCF-style: chr21-46284859-T-G. GRCh37 (hg19) VCF-style: chr21-47704773-T-G.
Other names: short protein forms E143A.
Identifiers: ClinVar variation 2041263 (VCV002041263.4), dbSNP rs749895963, ClinGen allele CA410537078.